The following is an entry in ClinVar:

NM_000085.5(CLCNKB):c.98G>A (p.Arg33Gln)

Gene: CLCNKB (chloride voltage-gated channel Kb; plus strand). Cytogenetic location: 1p36.13.
Variant type: single nucleotide variant.
Coding change: c.98G>A on transcript NM_000085.5 (MANE Select); coding-DNA position 98, G replaced by A.
Protein change: p.Arg33Gln; replaces arginine 33 with glutamine.
Molecular consequence: missense variant.
Genome position (GRCh38, 1-based): chr1:16,044,590, G>A. VCF-style: chr1-16044590-G-A. GRCh37 (hg19) VCF-style: chr1-16371085-G-A.
Other names: c.98G>A (NM_000085.3); short protein forms R33Q.
Identifiers: ClinVar variation 1449213 (VCV001449213.8), dbSNP rs746767761, ClinGen allele CA623156.

ClinVar aggregate classification (germline): Uncertain significance. Review status: criteria provided, multiple submitters, no conflicts (2 of 4 stars). 3 submissions from 3 submitters: Uncertain significance (3). Last evaluated 2025-08-09.

Conditions:
Bartter disease type 3. Also called: Bartter syndrome type 3. Identifiers: Orphanet 112, Orphanet 93605, MedGen C1846343, MONDO:0011822, OMIM 607364.
Bartter disease type 4B. Also called: BARTTER SYNDROME, TYPE 4B; Bartter syndrome, type 4b, digenic; BARTTER SYNDROME, TYPE 4B, NEONATAL, WITH SENSORINEURAL DEAFNESS. Identifiers: Orphanet 112, MedGen C4310805, MONDO:0000909, OMIM 613090.
Inborn genetic diseases. Identifiers: MedGen C0950123, MeSH D030342.

Allele frequency attached by ClinVar (database versions not stated): gnomAD exomes 0.00001 and 0.00005; gnomAD 0.00002; TOPMed 0.00004; ExAC 0.00010.
gnomAD v4.1: 21 of 1,597,272 alleles (0.0013%); highest among the groups gnomAD compares: Admixed American, 0.012%; no homozygotes.

Submissions (3):

Ambry Genetics
Classification: Uncertain significance for Inborn genetic diseases. Last evaluated: 2025-08-09. Review status: criteria provided, single submitter. Criteria: Ambry Variant Classification Scheme 2023. Collection method: clinical testing. Allele origin: germline.

Labcorp Genetics (formerly Invitae), Labcorp
Classification: Uncertain significance. Last evaluated: 2024-02-17. Review status: criteria provided, single submitter. Criteria: Invitae Variant Classification Sherloc (09022015). Collection method: clinical testing. Allele origin: germline.
Comment: This sequence change replaces arginine, which is basic and polar, with glutamine, which is neutral and polar, at codon 33 of the CLCNKB protein (p.Arg33Gln). This variant is present in population databases (rs746767761, gnomAD 0.02%). This variant has not been reported in the literature in individuals affected with CLCNKB-related conditions. ClinVar contains an entry for this variant (Variation ID: 1449213). An algorithm developed to predict the effect of missense changes on protein structure and function (PolyPhen-2) suggests that this variant is likely to be tolerated. In summary, the available evidence is currently insufficient to determine the role of this variant in disease. Therefore, it has been classified as a Variant of Uncertain Significance.

Fulgent Genetics
Classification: Uncertain significance for Bartter disease type 3; Bartter disease type 4B. Last evaluated: 2021-09-27. Review status: criteria provided, single submitter. Criteria: ACMG Guidelines, 2015. Collection method: clinical testing. Allele origin: unknown.